The following is an entry in ClinVar:

ClinVar aggregate classification (germline): Uncertain significance (0 of 4 stars; one submission).

Conditions:
MYH14-related disorder. Also called: MYH14-related condition.

gnomAD v4.1: 9 of 1,580,942 alleles (0.00057%); highest among the groups gnomAD compares: African/African-American, 0.0041%; no homozygotes.

Submission:

PreventionGenetics, part of Exact Sciences
Classification: Uncertain significance for MYH14-related condition. Last evaluated: 2024-07-10. Review status: no assertion criteria provided. Collection method: clinical testing. Allele origin: germline.
Comment: The MYH14 c.32G>A variant is predicted to result in the amino acid substitution p.Arg11Gln. To our knowledge, this variant has not been reported in the literature. This variant is reported in 0.024% of alleles in individuals of African descent in gnomAD. At this time, the clinical significance of this variant is uncertain due to the absence of conclusive functional and genetic evidence.

NM_001145809.2(MYH14):c.32G>A (p.Arg11Gln)

Gene: MYH14 (myosin heavy chain 14; plus strand). Cytogenetic location: 19q13.33.
Variant type: single nucleotide variant.
Coding change: c.32G>A on transcript NM_001145809.2 (MANE Select); coding-DNA position 32, G replaced by A.
Protein change: p.Arg11Gln; replaces arginine 11 with glutamine.
Molecular consequence: missense variant.
Genome position (GRCh38, 1-based): chr19:50,210,397, G>A. VCF-style: chr19-50210397-G-A. GRCh37 (hg19) VCF-style: chr19-50713654-G-A.
Other names: c.32G>A, p.Arg11Gln (NM_001077186.2, NM_024729.4); short protein forms R11Q.
Identifiers: ClinVar variation 3355103 (VCV003355103.1).